The following is an entry in ClinVar:

ClinVar aggregate classification (germline): Uncertain significance (1 of 4 stars; one submission).

Allele frequency attached by ClinVar (database versions not stated): gnomAD exomes below 0.00001.
gnomAD v4.1: 1 of 1,613,924 alleles (0.000062%); highest among the groups gnomAD compares: Non-Finnish European, 0.000085%; no homozygotes.

Submission:

Labcorp Genetics (formerly Invitae), Labcorp
Classification: Uncertain significance. Last evaluated: 2023-08-11. Review status: criteria provided, single submitter. Criteria: Invitae Variant Classification Sherloc (09022015). Collection method: clinical testing. Allele origin: germline.
Comment: In summary, the available evidence is currently insufficient to determine the role of this variant in disease. Therefore, it has been classified as a Variant of Uncertain Significance. Advanced modeling of protein sequence and biophysical properties (such as structural, functional, and spatial information, amino acid conservation, physicochemical variation, residue mobility, and thermodynamic stability) performed at Invitae indicates that this missense variant is expected to disrupt RAI1 protein function. This variant has not been reported in the literature in individuals affected with RAI1-related conditions. This variant is not present in population databases (gnomAD no frequency). This sequence change replaces phenylalanine, which is neutral and non-polar, with leucine, which is neutral and non-polar, at codon 1595 of the RAI1 protein (p.Phe1595Leu).

NM_030665.4(RAI1):c.4785C>G (p.Phe1595Leu)

Gene: RAI1 (retinoic acid induced 1; plus strand). Cytogenetic location: 17p11.2.
Variant type: single nucleotide variant.
Coding change: c.4785C>G on transcript NM_030665.4 (MANE Select); coding-DNA position 4785, C replaced by G.
Protein change: p.Phe1595Leu; replaces phenylalanine 1595 with leucine.
Molecular consequence: missense variant.
Genome position (GRCh38, 1-based): chr17:17,797,733, C>G. VCF-style: chr17-17797733-C-G. GRCh37 (hg19) VCF-style: chr17-17701047-C-G.
Other names: short protein forms F1595L.
Identifiers: ClinVar variation 2752196 (VCV002752196.3), dbSNP rs2143003199, ClinGen allele CA398557482.